The following is an entry in ClinVar:

ClinVar aggregate classification (germline): Likely benign (1 of 4 stars; one submission).

Conditions:
SEMA3C-related disorder. Also called: SEMA3C-related condition.

gnomAD v4.1: 25 of 1,613,950 alleles (0.0015%); highest among the groups gnomAD compares: South Asian, 0.027%; 1 homozygote.

Submission:

PreventionGenetics, part of Exact Sciences
Classification: Likely benign for SEMA3C-related condition. Last evaluated: 2025-12-22. Review status: criteria provided, single submitter. Criteria: ACMG Guidelines, 2015. Collection method: clinical testing. Allele origin: germline.
Comment: This variant is classified as likely benign based on ACMG/AMP sequence variant interpretation guidelines (Richards et al. 2015 PMID: 25741868, with internal and published modifications).

NM_006379.5(SEMA3C):c.2046T>C (p.Ser682=)

Gene: SEMA3C (semaphorin 3C; minus strand). Cytogenetic location: 7q21.11.
Variant type: single nucleotide variant.
Coding change: c.2046T>C on transcript NM_006379.5 (MANE Select); coding-DNA position 2046, T replaced by C.
Protein change: p.Ser682=; no amino-acid change (serine 682 retained).
Molecular consequence: synonymous variant.
Genome position (GRCh38, 1-based): chr7:80,745,104, A>G on the plus strand (T>C on the coding strand, the complement: SEMA3C is on the minus strand). VCF-style: chr7-80745104-A-G. GRCh37 (hg19) VCF-style: chr7-80374420-A-G.
Other names: c.2100T>C, p.Ser700= (NM_001350120.2); c.1872T>C, p.Ser624= (NM_001350121.2).
Identifiers: ClinVar variation 4983929 (VCV004983929.1).